The following is an entry in ClinVar:

ClinVar aggregate classification (germline): Conflicting classifications of pathogenicity. Review status: criteria provided, conflicting classifications (1 of 4 stars). 2 submissions from 2 submitters: Pathogenic (1); Uncertain significance (1). Last evaluated 2026-01-07.

Conditions:
Autosomal recessive nonsyndromic hearing loss 4 (DFNB4). Also called: FOXI1-Related Pendred Syndrome; KCNJ10-Related Pendred Syndrome; DEAFNESS, AUTOSOMAL RECESSIVE 4, WITH ENLARGED VESTIBULAR AQUEDUCT, DIGENIC; Deafness, autosomal recessive 4, with enlarged vestibular aqueduct; Enlarged vestibular aqueduct, digenic; Nonsyndromic enlarged vestibular aqueduct (NSEVA). Identifiers: Orphanet 90636, MedGen C3538946, MONDO:0010933, OMIM 600791.
Pendred syndrome (PDS). Also called: Pendred's syndrome; Pendred Syndrome (PDS); DEAFNESS WITH GOITER; GOITER-DEAFNESS SYNDROME; HYPOTHYROIDISM, CONGENITAL, DUE TO DYSHORMONOGENESIS, 2B; THYROID DYSHORMONOGENESIS 2B. Identifiers: Orphanet 705, MedGen C0271829, MONDO:0010134, OMIM 274600.

Submissions (2):

Myriad Genetics, Inc.
Classification: Uncertain significance for Pendred syndrome. Last evaluated: 2026-01-07. Review status: criteria provided, single submitter. Criteria: Myriad Autosomal Dominant, Autosomal Recessive and X-Linked Classification Criteria (2023). Collection method: clinical testing. Allele origin: unknown.
Comment: NM_000441.1(SLC26A4):c.1141G>A(G381R) is a missense variant classified as a variant of uncertain significance in the context of Pendred syndrome. G381R has not been observed in cases with relevant disease. Relevant functional assessments of this variant are not available in the literature. G381R has not been observed in referenced population frequency databases. In summary, there is insufficient evidence to classify NM_000441.1(SLC26A4):c.1141G>A(G381R) as pathogenic or benign. Please note: this variant was assessed in the context of healthy population screening.

Institute of Rare Diseases, West China Hospital, Sichuan University
Classification: Pathogenic for Autosomal recessive nonsyndromic hearing loss 4. Last evaluated: 2025-01-09. Review status: criteria provided, single submitter. Criteria: ClinGen HL ACMG Specifications v1. Collection method: research. Allele origin: germline. Affected: yes.

NM_000441.2(SLC26A4):c.1141G>A (p.Gly381Arg)

Gene: SLC26A4 (solute carrier family 26 member 4; plus strand). Cytogenetic location: 7q22.3.
Variant type: single nucleotide variant.
Coding change: c.1141G>A on transcript NM_000441.2 (MANE Select); coding-DNA position 1141, G replaced by A.
Protein change: p.Gly381Arg; replaces glycine 381 with arginine.
Molecular consequence: missense variant.
Genome position (GRCh38, 1-based): chr7:107,689,192, G>A. VCF-style: chr7-107689192-G-A. GRCh37 (hg19) VCF-style: chr7-107329637-G-A.
Other names: short protein forms G381R.
Identifiers: ClinVar variation 3601729 (VCV003601729.2).